The following is an entry in ClinVar:

ClinVar aggregate classification (germline): Benign/Likely benign. Review status: criteria provided, multiple submitters, no conflicts (2 of 4 stars). 6 submissions from 6 submitters: Benign (3); Likely benign (2). 1 of the submissions does not count toward it. Last evaluated 2026-01-05.

Conditions:
Retinal dystrophy. Also called: Inherited retinal dystrophy. Identifiers: Orphanet 71862, MedGen C0854723, MeSH D058499, MONDO:0019118, HP:0000556.
Retinitis pigmentosa (RP). Identifiers: Orphanet 791, MedGen C0035334, MeSH D012174, MONDO:0019200, OMIM 268000. Inheritance: Autosomal dominant, autosomal recessive and X linked inheritance.
PRPF8-related disorder. Also called: PRPF8-related condition.

Allele frequency attached by ClinVar (database versions not stated): ESP Exome Variant Server 0.00008; gnomAD 0.00034 and 0.00044; TOPMed 0.00050; ExAC 0.00082; gnomAD exomes 0.00087; 1000 Genomes Project 30x 0.00109; 1000 Genomes Project 0.00140.
gnomAD v4.1: 689 of 1,613,760 alleles (0.043%); highest among the groups gnomAD compares: East Asian, 0.94%; 2 homozygotes.

Submissions (6):

Labcorp Genetics (formerly Invitae), Labcorp
Classification: Benign. Last evaluated: 2026-01-05. Review status: criteria provided, single submitter. Criteria: Invitae Variant Classification Sherloc (09022015). Collection method: clinical testing. Allele origin: germline.

CeGaT Center for Human Genetics Tuebingen
Classification: Likely benign. Last evaluated: 2025-02-01. Review status: criteria provided, single submitter. Criteria: CeGaT Center For Human Genetics Tuebingen Variant Classification Criteria Version 2. Collection method: clinical testing. Allele origin: germline. Affected: yes. Observed: 1 variant allele.
Comment: PRPF8: BP4, BP7

Blueprint Genetics
Classification: Likely benign. Last evaluated: 2024-11-06. Review status: criteria provided, single submitter. Criteria: ACMG Guidelines, 2015. Collection method: clinical testing. Allele origin: germline.

Dept Of Ophthalmology, Nagoya University
Classification: Benign for Retinal dystrophy. Last evaluated: 2023-10-01. Review status: criteria provided, single submitter. Criteria: Submitter's publication. Collection method: research. Allele origin: germline. Affected: yes.

Illumina Laboratory Services, Illumina
Classification: Benign for Retinitis pigmentosa. Last evaluated: 2018-01-12. Review status: criteria provided, single submitter. Criteria: ICSL Variant Classification Criteria 13 December 2019. Collection method: clinical testing. Allele origin: germline.
Comment: This variant was observed in the ICSL laboratory as part of a predisposition screen in an ostensibly healthy population. It had not been previously curated by ICSL or reported in the Human Gene Mutation Database (HGMD: prior to June 1st, 2018), and was therefore a candidate for classification through an automated scoring system. Utilizing variant allele frequency, disease prevalence and penetrance estimates, and inheritance mode, an automated score was calculated to assess if this variant is too frequent to cause the disease. Based on the score and internal cut-off values, a variant classified as benign is not then subjected to further curation. The score for this variant resulted in a classification of benign for this disease.

PreventionGenetics, part of Exact Sciences
Classification: Benign for PRPF8-related condition. Last evaluated: 2019-08-01. Review status: no assertion criteria provided. Collection method: clinical testing. Allele origin: germline. Not counted in ClinVar's aggregate classification.
Comment: This variant is classified as benign based on ACMG/AMP sequence variant interpretation guidelines (Richards et al. 2015 PMID: 25741868, with internal and published modifications).

NM_006445.4(PRPF8):c.2601C>T (p.Ile867=)

Gene: PRPF8 (pre-mRNA processing factor 8; minus strand). Cytogenetic location: 17p13.3.
Variant type: single nucleotide variant.
Coding change: c.2601C>T on transcript NM_006445.4 (MANE Select); coding-DNA position 2601, C replaced by T.
Protein change: p.Ile867=; no amino-acid change (isoleucine 867 retained).
Molecular consequence: synonymous variant.
Genome position (GRCh38, 1-based): chr17:1,676,006, G>A on the plus strand (C>T on the coding strand, the complement: PRPF8 is on the minus strand). VCF-style: chr17-1676006-G-A. GRCh37 (hg19) VCF-style: chr17-1579300-G-A.
Identifiers: ClinVar variation 321902 (VCV000321902.29), dbSNP rs117892584, ClinGen allele CA8272084.